The following is an entry in ClinVar:

ClinVar aggregate classification (germline): Uncertain significance (1 of 4 stars; one submission).

Submission:

GeneDx
Classification: Uncertain significance. Last evaluated: 2025-06-07. Review status: criteria provided, single submitter. Criteria: GeneDx Variant Classification Process June 2021. Collection method: clinical testing. Allele origin: germline. Affected: yes.
Comment: Not observed at significant frequency in large population cohorts (gnomAD); In-frame deletion of 2 amino acid(s) in a non-repeat region; In silico analysis suggests that this variant does not alter protein structure/function; Has not been previously published as pathogenic or benign to our knowledge

NM_002471.4(MYH6):c.958_963del (p.Ser320_Val321del)

Gene: MYH6 (myosin heavy chain 6; minus strand). Cytogenetic location: 14q11.2.
Variant type: Deletion.
Coding change: c.958_963del on transcript NM_002471.4 (MANE Select); coding-DNA positions 958 to 963, 6 bases deleted (TCCGTG; older notation c.958_963delTCCGTG).
Protein change: p.Ser320_Val321del.
Molecular consequence: inframe deletion. On other transcripts: inframe indel (1).
Genome position (GRCh38, 1-based): chr14:23,402,736-23,402,741, CACGGA deleted on the plus strand (TCCGTG on the coding strand, the reverse complement: MYH6 is on the minus strand); deleting any 6 consecutive bases within chr14:23,402,736-23,402,744 gives the same sequence; the c. name uses the placement nearest the transcript's 3' end. VCF-style (leftmost placement, unchanged base first): chr14-23402735-CCACGGA-C. GRCh37 (hg19) VCF-style: chr14-23871944-CCACGGA-C.
Other names: c.955_960delGTGTCC, p.Ser320_Val321del (NM_002471.3).
Identifiers: ClinVar variation 4536219 (VCV004536219.1).